The following is an entry in ClinVar:

ClinVar aggregate classification (germline): Uncertain significance. Review status: criteria provided, multiple submitters, no conflicts (2 of 4 stars). 3 submissions from 3 submitters: Uncertain significance (3). Last evaluated 2025-07-14.

Conditions:
RYR1-related disorder. Also called: RYR1-related disorders; RYR1-related condition. Identifiers: MedGen CN239331.
Malignant hyperthermia, susceptibility to, 1 (MHS1). Also called: Anesthesia related hyperthermia; Malignant hyperpyrexia; Fulminating hyperpyrexia; Pharmacogenic myopathy; Malignant hyperthermia suceptibility 1; RYR1-Related Malignant Hyperthermia Susceptibility. Identifiers: Orphanet 423, MedGen C2930980, MONDO:0007783, OMIM 145600.

Allele frequency attached by ClinVar (database versions not stated): ExAC 0.00001; gnomAD 0.00001; TOPMed 0.00001.
gnomAD v4.1: 1 of 1,613,754 alleles (0.000062%); highest among the groups gnomAD compares: Non-Finnish European, 0.000085%; no homozygotes.

Submissions (3):

Color Diagnostics, LLC DBA Color Health
Classification: Uncertain significance for Malignant hyperthermia, susceptibility to, 1. Last evaluated: 2025-07-14. Review status: criteria provided, single submitter. Criteria: ACMG Guidelines, 2015. Collection method: clinical testing. Allele origin: germline.
Comment: This missense variant replaces arginine with glycine at codon 3707 of the RYR1 protein. Computational prediction suggests that this variant may have deleterious impact on protein structure and function. To our knowledge, functional studies have not been reported for this variant. This variant has not been reported in individuals affected with RYR1-related disorders in the literature. This variant has been identified in 1/248688 chromosomes in the general population by the Genome Aggregation Database (gnomAD). The available evidence is insufficient to determine the role of this variant in disease conclusively. Therefore, this variant is classified as a Variant of Uncertain Significance.

GeneDx
Classification: Uncertain significance. Last evaluated: 2025-01-12. Review status: criteria provided, single submitter. Criteria: GeneDx Variant Classification Process June 2021. Collection method: clinical testing. Allele origin: germline. Affected: yes.
Comment: Not observed at significant frequency in large population cohorts (gnomAD); In silico analysis supports that this missense variant has a deleterious effect on protein structure/function; Has not been previously published as pathogenic or benign to our knowledge

Labcorp Genetics (formerly Invitae), Labcorp
Classification: Uncertain significance for RYR1-related disorder. Last evaluated: 2024-06-02. Review status: criteria provided, single submitter. Criteria: Invitae Variant Classification Sherloc (09022015). Collection method: clinical testing. Allele origin: germline.
Comment: This sequence change replaces arginine, which is basic and polar, with glycine, which is neutral and non-polar, at codon 3707 of the RYR1 protein (p.Arg3707Gly). This variant is present in population databases (rs781379239, gnomAD 0.0009%). This variant has not been reported in the literature in individuals affected with RYR1-related conditions. ClinVar contains an entry for this variant (Variation ID: 934176). Advanced modeling of protein sequence and biophysical properties (such as structural, functional, and spatial information, amino acid conservation, physicochemical variation, residue mobility, and thermodynamic stability) performed at Invitae indicates that this missense variant is expected to disrupt RYR1 protein function with a positive predictive value of 95%. In summary, the available evidence is currently insufficient to determine the role of this variant in disease. Therefore, it has been classified as a Variant of Uncertain Significance.

NM_000540.3(RYR1):c.11119C>G (p.Arg3707Gly)

Gene: RYR1 (ryanodine receptor 1; plus strand). Cytogenetic location: 19q13.2.
Variant type: single nucleotide variant.
Coding change: c.11119C>G on transcript NM_000540.3 (MANE Select); coding-DNA position 11119, C replaced by G.
Protein change: p.Arg3707Gly; replaces arginine 3707 with glycine.
Molecular consequence: missense variant.
Genome position (GRCh38, 1-based): chr19:38,529,035, C>G. VCF-style: chr19-38529035-C-G. GRCh37 (hg19) VCF-style: chr19-39019675-C-G.
Other names: c.11104C>G, p.Arg3702Gly (NM_001042723.2); short protein forms R3707G, R3702G.
Identifiers: ClinVar variation 934176 (VCV000934176.10), dbSNP rs781379239, ClinGen allele CA055851.